The following is an entry in ClinVar:

NM_002439.5(MSH3):c.263_267del (p.Lys88fs)

Gene: MSH3 (mutS homolog 3; plus strand). Cytogenetic location: 5q14.1.
Variant type: Deletion.
Coding change: c.263_267del on transcript NM_002439.5 (MANE Select); coding-DNA positions 263 to 267, 5 bases deleted (AGAGA; older notation c.263_267delAGAGA).
Protein change: p.Lys88fs; shifts the reading frame from lysine 88.
Molecular consequence: frameshift variant.
Genome position (GRCh38, 1-based): chr5:80,656,436-80,656,440, AGAGA deleted; deleting any 5 consecutive bases within chr5:80,656,433-80,656,440 gives the same sequence; the c. name uses the placement nearest the transcript's 3' end. VCF-style (leftmost placement, unchanged base first): chr5-80656432-AAGAAG-A. GRCh37 (hg19) VCF-style: chr5-79952251-AAGAAG-A.
Other names: c.263_267del (NM_002439.4); c.263_267delAGAGA (NM_002439.3); short protein forms K88fs.
Identifiers: ClinVar variation 1071210 (VCV001071210.11), dbSNP rs777843647, ClinGen allele CA3327554.

ClinVar aggregate classification (germline): Pathogenic/Likely pathogenic. Review status: criteria provided, multiple submitters, no conflicts (2 of 4 stars). 5 submissions from 5 submitters: Pathogenic (3); Likely pathogenic (2). Last evaluated 2025-11-29.

Conditions:
Familial adenomatous polyposis 4 (FAP4). Also called: MSH3-related attenuated familial adenomatous polyposis. Identifiers: Orphanet 480536, MedGen C4310719, MONDO:0044300, OMIM 617100.
Hereditary cancer-predisposing syndrome. Also called: Tumor predisposition; Hereditary neoplastic syndrome; Neoplastic Syndromes, Hereditary; Hereditary Cancer Syndrome. Identifiers: Orphanet 140162, MedGen C0027672, MeSH D009386, MONDO:0015356.
Endometrial carcinoma. Also called: Endometrial carcinoma, somatic. Identifiers: MedGen C0476089, MONDO:0002447, OMIM 608089, HP:0012114.

Submissions (5):

Labcorp Genetics (formerly Invitae), Labcorp
Classification: Pathogenic. Last evaluated: 2025-11-29. Review status: criteria provided, single submitter. Criteria: Invitae Variant Classification Sherloc (09022015). Collection method: clinical testing. Allele origin: germline.
Comment: This sequence change creates a premature translational stop signal (p.Lys88Thrfs*5) in the MSH3 gene. It is expected to result in an absent or disrupted protein product. Loss-of-function variants in MSH3 are known to be pathogenic (PMID: 27476653, 37402566). This variant is present in population databases (rs777843647, gnomAD 0.03%). This variant has not been reported in the literature in individuals affected with MSH3-related conditions. ClinVar contains an entry for this variant (Variation ID: 1071210). For these reasons, this variant has been classified as Pathogenic.

Quest Diagnostics Nichols Institute San Juan Capistrano
Classification: Likely pathogenic. Last evaluated: 2025-07-10. Review status: criteria provided, single submitter. Criteria: Quest Diagnostics criteria. Collection method: clinical testing. Allele origin: unknown.
Comment: The MSH3 c.263_267del (p.Lys88Thrfs*5) variant alters the translational reading frame of the MSH3 mRNA and is predicted to cause the premature termination of MSH3 protein synthesis. This variant has not been reported in individuals with MSH3-related conditions in the published literature. The frequency of this variant in the general population (Genome Aggregation Database) is uninformative in the assessment of its pathogenicity. Based on the available information, this variant is classified as likely pathogenic.

Baylor Genetics
Classification: Likely pathogenic for Endometrial carcinoma. Last evaluated: 2023-12-15. Review status: criteria provided, single submitter. Criteria: ACMG Guidelines, 2015. Collection method: clinical testing. Allele origin: unknown.

Myriad Genetics, Inc.
Classification: Pathogenic for Familial adenomatous polyposis 4. Last evaluated: 2023-08-29. Review status: criteria provided, single submitter. Criteria: Myriad Autosomal Dominant, Autosomal Recessive and X-Linked Classification Criteria (2023). Collection method: clinical testing. Allele origin: unknown.
Comment: This variant is considered pathogenic. This variant creates a frameshift predicted to result in premature protein truncation.

Ambry Genetics
Classification: Pathogenic for Hereditary cancer-predisposing syndrome. Last evaluated: 2022-12-14. Review status: criteria provided, single submitter. Criteria: Ambry Variant Classification Scheme 2023. Collection method: clinical testing. Allele origin: germline.
Comment: The c.263_267delAGAGA pathogenic mutation, located in coding exon 2 of the MSH3 gene, results from a deletion of 5 nucleotides at nucleotide positions 263 to 267, causing a translational frameshift with a predicted alternate stop codon (p.K88Tfs*5). This alteration is expected to result in loss of function by premature protein truncation or nonsense-mediated mRNA decay. As such, this alteration is interpreted as a disease-causing mutation.

Literature cited by the submitters: PubMed 27476653 (cited by Labcorp Genetics (formerly Invitae), Labcorp); PubMed 37402566 (cited by Labcorp Genetics (formerly Invitae), Labcorp).